The following is an entry in ClinVar:

ClinVar aggregate classification (germline): Uncertain significance (1 of 4 stars; one submission).

Submission:

Labcorp Genetics (formerly Invitae), Labcorp
Classification: Uncertain significance. Last evaluated: 2025-04-07. Review status: criteria provided, single submitter. Criteria: Invitae Variant Classification Sherloc (09022015). Collection method: clinical testing. Allele origin: germline.
Comment: This sequence change replaces valine, which is neutral and non-polar, with leucine, which is neutral and non-polar, at codon 1072 of the DNAH9 protein (p.Val1072Leu). This variant is not present in population databases (gnomAD no frequency). This variant has not been reported in the literature in individuals affected with DNAH9-related conditions. ClinVar contains an entry for this variant (Variation ID: 3690169). Invitae Evidence Modeling of protein sequence and biophysical properties (such as structural, functional, and spatial information, amino acid conservation, physicochemical variation, residue mobility, and thermodynamic stability) indicates that this missense variant is not expected to disrupt DNAH9 protein function with a negative predictive value of 80%. In summary, the available evidence is currently insufficient to determine the role of this variant in disease. Therefore, it has been classified as a Variant of Uncertain Significance.

NM_001372.4(DNAH9):c.3214G>T (p.Val1072Leu)

Genes: DNAH9 (dynein axonemal heavy chain 9; plus strand), LOC126862505 (BRD4-independent group 4 enhancer GRCh37_chr17:11572478-11573677; plus strand). Cytogenetic location: 17p12.
Variant type: single nucleotide variant.
Coding change: c.3214G>T on transcript NM_001372.4 (MANE Select); coding-DNA position 3214, G replaced by T.
Protein change: p.Val1072Leu; replaces valine 1072 with leucine.
Molecular consequence: missense variant.
Genome position (GRCh38, 1-based): chr17:11,669,655, G>T. VCF-style: chr17-11669655-G-T. GRCh37 (hg19) VCF-style: chr17-11572972-G-T.
Other names: short protein forms V1072L.
Identifiers: ClinVar variation 3690169 (VCV003690169.2).